The following is an entry in ClinVar:

ClinVar aggregate classification (germline): Likely benign. Review status: criteria provided, multiple submitters, no conflicts (2 of 4 stars). 2 submissions from 2 submitters: Likely benign (2). Last evaluated 2018-06-14.

Allele frequency attached by ClinVar (database versions not stated): 1000 Genomes Project 0.00339; 1000 Genomes Project 30x 0.00406; TOPMed 0.00732; gnomAD 0.00768; gnomAD exomes 0.00825 and 0.01113; ESP Exome Variant Server 0.00840.
gnomAD v4.1: 16,868 of 1,561,726 alleles (1.1%); highest among the groups gnomAD compares: Non-Finnish European, 1.3%; 120 homozygotes.

Submissions (2):

GeneDx
Classification: Likely benign. Last evaluated: 2018-06-14. Review status: criteria provided, single submitter. Criteria: GeneDx Variant Classification (06012015). Collection method: clinical testing. Allele origin: germline. Affected: yes.
Comment: This variant is considered likely benign or benign based on one or more of the following criteria: it is a conservative change, it occurs at a poorly conserved position in the protein, it is predicted to be benign by multiple in silico algorithms, and/or has population frequency not consistent with disease.

Breakthrough Genomics
Classification: Likely benign. Review status: criteria provided, single submitter. Criteria: ACMG Guidelines, 2015. Collection method: not provided. Allele origin: germline. Inheritance: Autosomal dominant inheritance. Affected: yes.

NM_001330260.2(SCN8A):c.3819+34C>G

Gene: SCN8A (sodium voltage-gated channel alpha subunit 8; plus strand). Cytogenetic location: 12q13.13.
Variant type: single nucleotide variant.
Coding change: c.3819+34C>G on transcript NM_001330260.2 (MANE Select); 34 bases into the intron after coding-DNA position 3819, C replaced by G.
Molecular consequence: intron variant.
Genome position (GRCh38, 1-based): chr12:51,774,396, C>G. VCF-style: chr12-51774396-C-G. GRCh37 (hg19) VCF-style: chr12-52168180-C-G.
Other names: c.3819+34C>G (NM_014191.4, NM_001177984.3, NM_001369788.1).
Identifiers: ClinVar variation 675799 (VCV000675799.2), dbSNP rs112808329, ClinGen allele CA6571684.